The following is an entry in ClinVar:

ClinVar aggregate classification (germline): Uncertain significance (1 of 4 stars; one submission).

Submission:

Labcorp Genetics (formerly Invitae), Labcorp
Classification: Uncertain significance. Last evaluated: 2021-12-08. Review status: criteria provided, single submitter. Criteria: Invitae Variant Classification Sherloc (09022015). Collection method: clinical testing. Allele origin: germline.
Comment: In summary, the available evidence is currently insufficient to determine the role of this variant in disease. Therefore, it has been classified as a Variant of Uncertain Significance. This sequence change replaces alanine, which is neutral and non-polar, with glycine, which is neutral and non-polar, at codon 565 of the RELB protein (p.Ala565Gly). This variant is not present in population databases (gnomAD no frequency). This variant has not been reported in the literature in individuals affected with RELB-related conditions. Algorithms developed to predict the effect of missense changes on protein structure and function output the following: SIFT: "Tolerated"; PolyPhen-2: "Benign"; Align-GVGD: "Class C0". The glycine amino acid residue is found in multiple mammalian species, which suggests that this missense change does not adversely affect protein function.

NM_006509.4(RELB):c.1694C>G (p.Ala565Gly)

Gene: RELB (RELB proto-oncogene, NF-kB subunit; plus strand). Cytogenetic location: 19q13.32.
Variant type: single nucleotide variant.
Coding change: c.1694C>G on transcript NM_006509.4 (MANE Select); coding-DNA position 1694, C replaced by G.
Protein change: p.Ala565Gly; replaces alanine 565 with glycine.
Molecular consequence: missense variant.
Genome position (GRCh38, 1-based): chr19:45,037,744, C>G. VCF-style: chr19-45037744-C-G. GRCh37 (hg19) VCF-style: chr19-45541002-C-G.
Other names: c.1685C>G, p.Ala562Gly (NM_001411087.1); short protein forms A565G, A562G.
Identifiers: ClinVar variation 2037864 (VCV002037864.4), dbSNP rs771519302, ClinGen allele CA406310361.
Genomic context (GRCh38, chr19:45,037,744, plus strand): 5'-GGGATGGAGGCACCGCCAGCCTTGTGGGCAGCAACATGTTCCCCAATCATTACCGCGAGG[C>G]GGCCTTTGGGGGCGGCCTCCTATCCCCGGGGCCTGAAGCCACGTAGCCCCGCGATGCCAG-3'
Protein context (NP_006500.2, residues 555-575): SNMFPNHYRE[Ala565Gly]AFGGGLLSPG